The following is an entry in ClinVar:

ClinVar aggregate classification (germline): Uncertain significance (1 of 4 stars; one submission).

gnomAD v4.1: 2 of 1,614,158 alleles (0.00012%); highest among the groups gnomAD compares: South Asian, 0.0011%; no homozygotes.

Submission:

Women's Health and Genetics/Laboratory Corporation of America, LabCorp
Classification: Uncertain significance. Last evaluated: 2026-04-07. Review status: criteria provided, single submitter. Criteria: LabCorp Variant Classification Summary - May 2015. Collection method: clinical testing. Allele origin: germline.
Comment: Variant summary: PTH c.184G>A (p.Val62Met) results in a conservative amino acid change in the encoded protein sequence. Algorithms developed to predict the effect of missense changes on protein structure and function are either unavailable or do not agree on the potential impact of this missense change. The variant was absent in 251372 control chromosomes. The available data on variant occurrences in the general population are insufficient to allow any conclusion about variant significance. To our knowledge, no occurrence of c.184G>A in individuals affected with PTH-related conditions and no experimental evidence demonstrating its impact on protein function have been reported. No submitters have cited clinical-significance assessments for this variant to ClinVar. Based on the evidence outlined above, the variant was classified as uncertain significance.

NM_000315.4(PTH):c.184G>A (p.Val62Met)

Gene: PTH (parathyroid hormone; minus strand). Cytogenetic location: 11p15.3.
Variant type: single nucleotide variant.
Coding change: c.184G>A on transcript NM_000315.4 (MANE Select); coding-DNA position 184, G replaced by A.
Protein change: p.Val62Met; replaces valine 62 with methionine.
Molecular consequence: missense variant.
Genome position (GRCh38, 1-based): chr11:13,492,569, C>T on the plus strand (G>A on the coding strand, the complement: PTH is on the minus strand). VCF-style: chr11-13492569-C-T. GRCh37 (hg19) VCF-style: chr11-13514116-C-T.
Other names: c.280G>A, p.Val94Met (NM_001316352.2); short protein forms V62M, V94M.
Identifiers: ClinVar variation 4848820 (VCV004848820.1).